The following is an entry in ClinVar:

ClinVar aggregate classification (germline): Conflicting classifications of pathogenicity. Review status: criteria provided, conflicting classifications (1 of 4 stars). 4 submissions from 4 submitters: Likely pathogenic (2); Uncertain significance (2). Last evaluated 2025-12-01.

Conditions:
Autosomal recessive limb-girdle muscular dystrophy type 2A (LGMDR1). Also called: LEYDEN-MOEBIUS MUSCULAR DYSTROPHY; MUSCULAR DYSTROPHY, PELVOFEMORAL; Muscular dystrophy, limb-girdle, type 2A, Amish; Limb-girdle muscular dystrophy, type 2A; Calpainopathy. Identifiers: Orphanet 267, MedGen C1869123, MONDO:0009675, OMIM 253600. Disease mechanism: loss of function.
Muscular dystrophy, limb-girdle, autosomal dominant 4. Also called: MUSCULAR DYSTROPHY, LIMB-GIRDLE, TYPE 1I; Calpain-3-related limb-girdle muscular dystrophy D4. Identifiers: Orphanet 565909, MedGen C4748295, MONDO:0029133, OMIM 618129.

Allele frequency attached by ClinVar (database versions not stated): gnomAD exomes below 0.00001.

Submissions (4):

Labcorp Genetics (formerly Invitae), Labcorp
Classification: Uncertain significance for Autosomal recessive limb-girdle muscular dystrophy type 2A. Last evaluated: 2025-12-01. Review status: criteria provided, single submitter. Criteria: Invitae Variant Classification Sherloc (09022015). Collection method: clinical testing. Allele origin: germline.
Comment: This sequence change replaces arginine, which is basic and polar, with lysine, which is basic and polar, at codon 608 of the CAPN3 protein (p.Arg608Lys). This variant is not present in population databases (gnomAD no frequency). This missense change has been observed in individual(s) with autosomal recessive limb-girdle muscular dystrophy (PMID: 25135358). ClinVar contains an entry for this variant (Variation ID: 2137657). Invitae Evidence Modeling of protein sequence and biophysical properties (such as structural, functional, and spatial information, amino acid conservation, physicochemical variation, residue mobility, and thermodynamic stability) indicates that this missense variant is not expected to disrupt CAPN3 protein function with a negative predictive value of 80%. In summary, the available evidence is currently insufficient to determine the role of this variant in disease. Therefore, it has been classified as a Variant of Uncertain Significance.

Natera, Inc.
Classification: Likely pathogenic for Limb-girdle muscular dystrophy type 2A. Last evaluated: 2025-09-23. Review status: criteria provided, single submitter. Criteria: Natera Variant Classification Schema (03/2026). Collection method: clinical testing. Allele origin: germline.
Comment: The c.1823G>A variant in CAPN3 is a missense variant predicted to cause substitution of arginine to lysine at amino acid 608. This variant is rare in the general population with a frequency below the threshold expected for the associated phenotype(s). This variant has been observed in one or more individuals affected with the associated recessive disease, as either homozygous or compound heterozygous with a second variant (PMID: 25135358, 26404900). Given the available evidence, this variant is classified as Likely Pathogenic.

Women's Health and Genetics/Laboratory Corporation of America, LabCorp
Classification: Uncertain significance. Last evaluated: 2024-10-16. Review status: criteria provided, single submitter. Criteria: LabCorp Variant Classification Summary - May 2015. Collection method: clinical testing. Allele origin: germline.
Comment: Variant summary: CAPN3 c.1823G>A (p.Arg608Lys) results in a conservative amino acid change in the encoded protein sequence. Four of five in-silico tools predict a benign effect of the variant on protein function. The variant was absent in 251428 control chromosomes. c.1823G>A has been reported in the literature in individuals affected with Limb-Girdle Muscular Dystrophy, Autosomal Recessive (Stehlkov_2014, Magri_2015). These data indicate that the variant may be associated with disease. To our knowledge, no experimental evidence demonstrating an impact on protein function has been reported. The following publications have been ascertained in the context of this evaluation (PMID: 17994539, 26404900, 25135358). ClinVar contains an entry for this variant (Variation ID: 2137657). Based on the evidence outlined above, the variant was classified as VUS-possibly pathogenic.

Baylor Genetics
Classification: Likely pathogenic for Muscular dystrophy, limb-girdle, autosomal dominant 4. Last evaluated: 2023-09-12. Review status: criteria provided, single submitter. Criteria: ACMG Guidelines, 2015. Collection method: clinical testing. Allele origin: unknown.

Literature cited by the submitters: PubMed 25135358 (cited by 3 submitters); PubMed 26404900 (cited by Natera, Inc. and Women's Health and Genetics/Laboratory Corporation of America, LabCorp); PubMed 17994539 (cited by Women's Health and Genetics/Laboratory Corporation of America, LabCorp).

NM_000070.3(CAPN3):c.1823G>A (p.Arg608Lys)

Gene: CAPN3 (calpain 3; plus strand). Cytogenetic location: 15q15.1.
Variant type: single nucleotide variant.
Coding change: c.1823G>A on transcript NM_000070.3 (MANE Select); coding-DNA position 1823, G replaced by A.
Protein change: p.Arg608Lys; replaces arginine 608 with lysine.
Molecular consequence: missense variant. On other transcripts: intron variant (3).
Genome position (GRCh38, 1-based): chr15:42,408,233, G>A. VCF-style: chr15-42408233-G-A. GRCh37 (hg19) VCF-style: chr15-42700431-G-A.
Other names: c.1823G>A (NM_000070.2); c.1805G>A, p.Arg602Lys (NM_024344.2); c.287G>A, p.Arg96Lys (NM_173088.2); c.*921G>A (NM_212464.2); c.*1498G>A (NM_212467.2); c.1639-1070G>A (NM_173087.2); c.-81-1070G>A (NM_173090.2, NM_173089.2); short protein forms R608K, R602K, R96K.
Identifiers: ClinVar variation 2137657 (VCV002137657.7), dbSNP rs2548287787, ClinGen allele CA392000705.
Genomic context (GRCh38, chr15:42,408,233, plus strand): 5'-TCCTCCCTTCCTTCCTGCCTCCTCCCTCCTCTCTCCAGCCCATCATCTTCGTTTCGGACA[G>A]AGCAAACAGCAACAAGGAGCTGGGTGTGGACCAGGAGTCAGAGGAGGGCAAAGGCAAAAC-3'
Protein context (NP_000061.1, residues 598-618): KTKPIIFVSD[Arg608Lys]ANSNKELGVD